The following is an entry in ClinVar:

NM_001389.5(DSCAM):c.3700A>C (p.Ile1234Leu)

Gene: DSCAM (DS cell adhesion molecule; minus strand). Cytogenetic location: 21q22.2.
Variant type: single nucleotide variant.
Coding change: c.3700A>C on transcript NM_001389.5 (MANE Select); coding-DNA position 3700, A replaced by C.
Protein change: p.Ile1234Leu; replaces isoleucine 1234 with leucine.
Molecular consequence: missense variant. On other transcripts: non-coding transcript variant (1).
Genome position (GRCh38, 1-based): chr21:40,093,871, T>G on the plus strand (A>C on the coding strand, the complement: DSCAM is on the minus strand). VCF-style: chr21-40093871-T-G. GRCh37 (hg19) VCF-style: chr21-41465798-T-G.
Other names: c.3700A>C, p.Ile1234Leu (NM_001271534.3); short protein forms I1234L.
Identifiers: ClinVar variation 5000682 (VCV005000682.1).

ClinVar aggregate classification (germline): Uncertain significance (1 of 4 stars; one submission).

Conditions:
DSCAM-related disorder. Also called: DSCAM-related condition.

Submission:

PreventionGenetics, part of Exact Sciences
Classification: Uncertain significance for DSCAM-related condition. Last evaluated: 2025-03-18. Review status: criteria provided, single submitter. Criteria: ACMG Guidelines, 2015. Collection method: clinical testing. Allele origin: germline.
Comment: The DSCAM c.3700A>C variant is predicted to result in the amino acid substitution p.Ile1234Leu. To our knowledge, this variant has not been reported in the literature or in a large population database, indicating it is rare. At this time, the clinical significance of this variant is uncertain due to the absence of conclusive functional and genetic evidence.